The following is an entry in ClinVar:

NM_013339.4(ALG6):c.352del (p.Ile118fs)

Gene: ALG6 (ALG6 alpha-1,3-glucosyltransferase; plus strand). Cytogenetic location: 1p31.3.
Variant type: Deletion.
Coding change: c.352del on transcript NM_013339.4 (MANE Select); coding-DNA position 352, one base deleted (A; older notation c.352delA).
Protein change: p.Ile118fs; shifts the reading frame from isoleucine 118.
Molecular consequence: frameshift variant.
Genome position (GRCh38, 1-based): chr1:63,406,322, A deleted; the last of 2 consecutive A bases (chr1:63,406,321-63,406,322); deleting either gives the same sequence. VCF-style (leftmost placement, unchanged base first): chr1-63406320-TA-T. GRCh37 (hg19) VCF-style: chr1-63871991-TA-T.
Other names: short protein forms I118fs.
Identifiers: ClinVar variation 2772318 (VCV002772318.3), dbSNP rs2523734936, ClinGen allele CA2697552448.
Genomic context (GRCh38, chr1:63,406,320, plus strand): 5'-TGGGTAGCTGTAAATCCTGATGGACTCATGTTTAAAGTTATTTACTTGTGTTTTCAGTTT[TA>T]ATTGCTGATCTGCTGATTTACATACCTGCAGTGGTTTTGTACTGTTGTTGCTTAAAAGAA-3'

ClinVar aggregate classification (germline): Pathogenic (1 of 4 stars; one submission).

Conditions:
ALG6-congenital disorder of glycosylation 1C (CDG1C). Also called: CARBOHYDRATE-DEFICIENT GLYCOPROTEIN SYNDROME, TYPE I, WITH DEFICIENT GLYCOSYLATION OF DOLICHOL-LINKED OLIGOSACCHARIDE; CARBOHYDRATE-DEFICIENT GLYCOPROTEIN SYNDROME, TYPE V; Congenital disorder of glycosylation type 1C; Congenital disorder of glycosylation, type Ic; CDG Ic. Identifiers: Orphanet 79320, MedGen C2930997, MONDO:0011291, OMIM 603147.

Submission:

Labcorp Genetics (formerly Invitae), Labcorp
Classification: Pathogenic for ALG6-congenital disorder of glycosylation 1C. Last evaluated: 2023-10-28. Review status: criteria provided, single submitter. Criteria: Invitae Variant Classification Sherloc (09022015). Collection method: clinical testing. Allele origin: germline.
Comment: This sequence change creates a premature translational stop signal (p.Ile118Leufs*5) in the ALG6 gene. It is expected to result in an absent or disrupted protein product. Loss-of-function variants in ALG6 are known to be pathogenic (PMID: 19862844). This variant is not present in population databases (gnomAD no frequency). This variant has not been reported in the literature in individuals affected with ALG6-related conditions. For these reasons, this variant has been classified as Pathogenic.

Literature cited by the submitters: PubMed 19862844.